The following is an entry in ClinVar:

ClinVar aggregate classification (germline): Likely benign (1 of 4 stars; one submission).

Allele frequency attached by ClinVar (database versions not stated): gnomAD exomes 0.00029; ESP Exome Variant Server 0.00023; gnomAD 0.00024; TOPMed 0.00024; ExAC 0.00026.
gnomAD v4.1: 454 of 1,610,388 alleles (0.028%); highest among the groups gnomAD compares: Middle Eastern, 0.081%; 2 homozygotes.

Submission:

CeGaT Center for Human Genetics Tuebingen
Classification: Likely benign. Last evaluated: 2024-05-01. Review status: criteria provided, single submitter. Criteria: CeGaT Center For Human Genetics Tuebingen Variant Classification Criteria Version 2. Collection method: clinical testing. Allele origin: germline. Affected: yes. Observed: 1 variant allele.
Comment: NEIL3: BP4, BP7

NM_018248.3(NEIL3):c.57C>T (p.Leu19=)

Genes: NEIL3 (nei like DNA glycosylase 3; plus strand), LOC129993410 (ATAC-STARR-seq lymphoblastoid active region 22169; plus strand). Cytogenetic location: 4q34.3.
Variant type: single nucleotide variant.
Coding change: c.57C>T on transcript NM_018248.3 (MANE Select); coding-DNA position 57, C replaced by T.
Protein change: p.Leu19=; no amino-acid change (leucine 19 retained).
Molecular consequence: synonymous variant.
Genome position (GRCh38, 1-based): chr4:177,310,010, C>T. VCF-style: chr4-177310010-C-T. GRCh37 (hg19) VCF-style: chr4-178231164-C-T.
Identifiers: ClinVar variation 3239052 (VCV003239052.19), dbSNP rs375478163.
Genomic context (GRCh38, chr4:177,310,010, plus strand): 5'-AGAGATGGTGGAAGGACCAGGCTGTACTCTGAATGGAGAGAAGATTCGCGCGCGGGTGCT[C>T]CCGGGCCAGGCGGTGACCGGCGTGCGGGGAAGCGCTCTGCGGAGTCTGCAGGGCCGCGCC-3'
Protein context (NP_060718.3, residues 9-29): LNGEKIRARV[Leu19=]PGQAVTGVRG